The following is an entry in ClinVar:

ClinVar aggregate classification (germline): Conflicting classifications of pathogenicity. Review status: criteria provided, conflicting classifications (1 of 4 stars). 4 submissions from 4 submitters: Uncertain significance (3); Likely benign (1). Last evaluated 2026-01-16.

Conditions:
Hereditary cancer-predisposing syndrome. Also called: Neoplastic Syndromes, Hereditary; Tumor predisposition; Hereditary Cancer Syndrome; Hereditary neoplastic syndrome. Identifiers: Orphanet 140162, MedGen C0027672, MeSH D009386, MONDO:0015356.
Global developmental delay - lung cysts - overgrowth - Wilms tumor syndrome. Also called: GLOW Syndrome; GLOBAL DEVELOPMENTAL DELAY, LUNG CYSTS, OVERGROWTH, AND WILMS TUMOR. Identifiers: Orphanet 404476, MedGen C4748924, MONDO:0018445, OMIM 618272.
DICER1-related tumor predisposition. Also called: DICER1-related pleuropulmonary blastoma cancer predisposition syndrome; DICER1 syndrome. Identifiers: Orphanet 284343, MedGen C3839822, MONDO:0100216.

Allele frequency attached by ClinVar (database versions not stated): TOPMed below 0.00001; ExAC 0.00001; gnomAD 0.00001; gnomAD exomes 0.00002.
gnomAD v4.1: 33 of 1,613,552 alleles (0.002%); highest among the groups gnomAD compares: South Asian, 0.035%; no homozygotes.

Submissions (4):

Labcorp Genetics (formerly Invitae), Labcorp
Classification: Likely benign for DICER1-related tumor predisposition. Last evaluated: 2026-01-16. Review status: criteria provided, single submitter. Criteria: Invitae Variant Classification Sherloc (09022015). Collection method: clinical testing. Allele origin: germline.

Ambry Genetics
Classification: Uncertain significance for Hereditary cancer-predisposing syndrome. Last evaluated: 2025-04-06. Review status: criteria provided, single submitter. Criteria: Ambry Variant Classification Scheme 2023. Collection method: clinical testing. Allele origin: germline.
Comment: The p.E136Q variant (also known as c.406G>C), located in coding exon 3 of the DICER1 gene, results from a G to C substitution at nucleotide position 406. The glutamic acid at codon 136 is replaced by glutamine, an amino acid with highly similar properties. This amino acid position is highly conserved in available vertebrate species. In addition, this alteration is predicted to be tolerated by in silico analysis. Since supporting evidence is limited at this time, the clinical significance of this alteration remains unclear.

Baylor Genetics
Classification: Uncertain significance for Global developmental delay - lung cysts - overgrowth - Wilms tumor syndrome. Last evaluated: 2023-06-28. Review status: criteria provided, single submitter. Criteria: ACMG Guidelines, 2015. Collection method: clinical testing. Allele origin: unknown.

Illumina Laboratory Services, Illumina
Classification: Uncertain significance for Pleuropulmonary blastoma. Last evaluated: 2018-01-13. Review status: criteria provided, single submitter. Criteria: ICSL Variant Classification Criteria 13 December 2019. Collection method: clinical testing. Allele origin: germline.

NM_177438.3(DICER1):c.406G>C (p.Glu136Gln)

Gene: DICER1 (dicer 1, ribonuclease III; minus strand). Cytogenetic location: 14q32.13.
Variant type: single nucleotide variant.
Coding change: c.406G>C on transcript NM_177438.3 (MANE Select); coding-DNA position 406, G replaced by C.
Protein change: p.Glu136Gln; replaces glutamic acid 136 with glutamine.
Molecular consequence: missense variant.
Genome position (GRCh38, 1-based): chr14:95,131,541, C>G on the plus strand (G>C on the coding strand, the complement: DICER1 is on the minus strand). VCF-style: chr14-95131541-C-G. GRCh37 (hg19) VCF-style: chr14-95597878-C-G.
Other names: c.406G>C, p.Glu136Gln (NM_001195573.1, NM_001271282.3, NM_001291628.2 and 1 more transcripts); short protein forms E136Q.
Identifiers: ClinVar variation 565767 (VCV000565767.17), dbSNP rs768445477, ClinGen allele CA7331677.
Genomic context (GRCh38, chr14:95,131,541, plus strand): 5'-TAAAGTGAAATTTCTCTACAAGTCTTACCTGGTGCTTAGTAAACTCTTGGTTCCATCTCT[C>G]TTTTGTCCAAGATGCATTTACTTCTAGGTTTGAGTATTCCCCAACCTTGAGATCTGAATG-3'
Protein context (NP_803187.1, residues 126-146): NLEVNASWTK[Glu136Gln]RWNQEFTKHQ